The following is an entry in ClinVar:

NM_001159773.2(CANT1):c.862T>C (p.Trp288Arg)

Gene: CANT1 (calcium activated nucleotidase 1; minus strand). Cytogenetic location: 17q25.3.
Variant type: single nucleotide variant.
Coding change: c.862T>C on transcript NM_001159773.2 (MANE Select); coding-DNA position 862, T replaced by C.
Protein change: p.Trp288Arg; replaces tryptophan 288 with arginine.
Molecular consequence: missense variant.
Genome position (GRCh38, 1-based): chr17:78,993,894, A>G on the plus strand (T>C on the coding strand, the complement: CANT1 is on the minus strand). VCF-style: chr17-78993894-A-G. GRCh37 (hg19) VCF-style: chr17-76989976-A-G.
Other names: c.862T>C, p.Trp288Arg (NM_001159772.2, NM_138793.4); short protein forms W288R.
Identifiers: ClinVar variation 197370 (VCV000197370.13), dbSNP rs794727655, ClinGen allele CA245470.

ClinVar aggregate classification (germline): Uncertain significance. Review status: criteria provided, multiple submitters, no conflicts (2 of 4 stars). 2 submissions from 2 submitters: Uncertain significance (2). Last evaluated 2021-01-02.

Allele frequency attached by ClinVar (database versions not stated): gnomAD exomes below 0.00001.
gnomAD v4.1: 1 of 1,591,042 alleles (0.000063%); highest among the groups gnomAD compares: East Asian, 0.0023%; no homozygotes.

Submissions (2):

Labcorp Genetics (formerly Invitae), Labcorp
Classification: Uncertain significance. Last evaluated: 2021-01-02. Review status: criteria provided, single submitter. Criteria: Invitae Variant Classification Sherloc (09022015). Collection method: clinical testing. Allele origin: germline.
Comment: In summary, the available evidence is currently insufficient to determine the role of this variant in disease. Therefore, it has been classified as a Variant of Uncertain Significance. Algorithms developed to predict the effect of missense changes on protein structure and function are either unavailable or do not agree on the potential impact of this missense change (SIFT: "Deleterious"; PolyPhen-2: "Probably Damaging"; Align-GVGD: "Class C0"). This variant has been observed in individual(s) with clinical features of Desbuquois dysplasia (Invitae). ClinVar contains an entry for this variant (Variation ID: 197370). This variant is not present in population databases (ExAC no frequency). This sequence change replaces tryptophan with arginine at codon 288 of the CANT1 protein (p.Trp288Arg). The tryptophan residue is highly conserved and there is a moderate physicochemical difference between tryptophan and arginine.

Eurofins Ntd Llc (ga)
Classification: Uncertain significance. Last evaluated: 2016-10-13. Review status: criteria provided, single submitter. Criteria: EGL Classification Definitions 2015. Collection method: clinical testing. Allele origin: germline. Observed: 1 variant allele, 1 heterozygote.